The following is an entry in ClinVar:

ClinVar aggregate classification (germline): Benign. Review status: criteria provided, multiple submitters, no conflicts (2 of 4 stars). 5 submissions from 5 submitters: Benign (3). 2 of the submissions do not count toward it. Last evaluated 2026-02-04.

Conditions:
IARS2-related disorder. Also called: IARS2-related condition.

Allele frequency attached by ClinVar (database versions not stated): ESP Exome Variant Server 0.03454; TOPMed 0.06797; 1000 Genomes Project 0.07129; gnomAD 0.07149 and 0.07410; ExAC 0.08087; gnomAD exomes 0.08506 and 0.08561.
gnomAD v4.1: 113,654 of 1,348,398 alleles (8.4%); highest among the groups gnomAD compares: South Asian, 14%; 3,486 homozygotes.

Submissions (5):

Labcorp Genetics (formerly Invitae), Labcorp
Classification: Benign. Last evaluated: 2026-02-04. Review status: criteria provided, single submitter. Criteria: Invitae Variant Classification Sherloc (09022015). Collection method: clinical testing. Allele origin: germline.

GeneDx
Classification: Benign. Last evaluated: 2015-12-02. Review status: criteria provided, single submitter. Criteria: GeneDx Variant Classification (06012015). Collection method: clinical testing. Allele origin: germline. Affected: yes.
Comment: This variant is considered likely benign or benign based on one or more of the following criteria: it is a conservative change, it occurs at a poorly conserved position in the protein, it is predicted to be benign by multiple in silico algorithms, and/or has population frequency not consistent with disease.

Breakthrough Genomics
Classification: Benign. Review status: criteria provided, single submitter. Criteria: ACMG Guidelines, 2015. Collection method: not provided. Allele origin: germline. Inheritance: Autosomal recessive inheritance. Affected: yes.

PreventionGenetics, part of Exact Sciences
Classification: Benign for IARS2-related condition. Last evaluated: 2019-04-30. Review status: no assertion criteria provided. Collection method: clinical testing. Allele origin: germline. Not counted in ClinVar's aggregate classification.
Comment: This variant is classified as benign based on ACMG/AMP sequence variant interpretation guidelines (Richards et al. 2015 PMID: 25741868, with internal and published modifications).

Mayo Clinic Laboratories, Mayo Clinic
Classification: Benign. Last evaluated: 2016-02-23. Review status: no assertion criteria provided. Collection method: clinical testing. Allele origin: unknown. Not counted in ClinVar's aggregate classification.

NM_018060.4(IARS2):c.268-7A>T

Gene: IARS2 (isoleucyl-tRNA synthetase 2, mitochondrial; plus strand). Cytogenetic location: 1q41.
Variant type: single nucleotide variant.
Coding change: c.268-7A>T on transcript NM_018060.4 (MANE Select); 7 bases into the intron before coding-DNA position 268, A replaced by T.
Molecular consequence: intron variant.
Genome position (GRCh38, 1-based): chr1:220,096,097, A>T. VCF-style: chr1-220096097-A-T. GRCh37 (hg19) VCF-style: chr1-220269439-A-T.
Identifiers: ClinVar variation 380023 (VCV000380023.15), dbSNP rs78836180, ClinGen allele CA1401080.
Genomic context (GRCh38, chr1:220,096,097, plus strand): 5'-ATTTATGGTTAGACTCAGGAGTATGTATTTATATGATGTTTAGATATCTTTTTTTTTTTT[A>T]AAACAGAAATGTGGATTTTCAGAACTTTATTCATGGCAAAGAGAAAGAAAAGTAAAGACA-3'